The following is an entry in ClinVar:

NM_001122681.2(SH3BP2):c.1535G>A (p.Arg512His)

Gene: SH3BP2 (SH3 domain binding protein 2; plus strand). Cytogenetic location: 4p16.3.
Variant type: single nucleotide variant.
Coding change: c.1535G>A on transcript NM_001122681.2 (MANE Select); coding-DNA position 1535, G replaced by A.
Protein change: p.Arg512His; replaces arginine 512 with histidine.
Molecular consequence: missense variant.
Genome position (GRCh38, 1-based): chr4:2,833,036, G>A. VCF-style: chr4-2833036-G-A. GRCh37 (hg19) VCF-style: chr4-2834763-G-A.
Other names: c.1619G>A, p.Arg540His (NM_001145855.2); c.1706G>A, p.Arg569His (NM_001145856.2); c.1535G>A, p.Arg512His (NM_003023.4); short protein forms R540H, R569H, R512H.
Identifiers: ClinVar variation 854566 (VCV000854566.12), dbSNP rs373119331, ClinGen allele CA2819605.

ClinVar aggregate classification (germline): Uncertain significance. Review status: criteria provided, multiple submitters, no conflicts (2 of 4 stars). 3 submissions from 3 submitters: Uncertain significance (3). Last evaluated 2025-10-01.

Conditions:
SH3BP2-related disorder. Also called: SH3BP2-related condition.
Fibrous dysplasia of jaw (CRBM). Also called: Cherubism. Identifiers: Orphanet 184, MedGen C0008029, MONDO:0007315, OMIM 118400.
Inborn genetic diseases. Identifiers: MedGen C0950123, MeSH D030342.

Allele frequency attached by ClinVar (database versions not stated): TOPMed 0.00002; ExAC 0.00003; gnomAD 0.00003; gnomAD exomes 0.00003; ESP Exome Variant Server 0.00008.
gnomAD v4.1: 81 of 1,614,044 alleles (0.005%); highest among the groups gnomAD compares: Middle Eastern, 0.016%; no homozygotes.

Submissions (3):

Ambry Genetics
Classification: Uncertain significance for Inborn genetic diseases. Last evaluated: 2025-10-01. Review status: criteria provided, single submitter. Criteria: Ambry Variant Classification Scheme 2023. Collection method: clinical testing. Allele origin: germline.

Labcorp Genetics (formerly Invitae), Labcorp
Classification: Uncertain significance for Fibrous dysplasia of jaw. Last evaluated: 2025-04-02. Review status: criteria provided, single submitter. Criteria: Invitae Variant Classification Sherloc (09022015). Collection method: clinical testing. Allele origin: germline.
Comment: This sequence change replaces arginine, which is basic and polar, with histidine, which is basic and polar, at codon 512 of the SH3BP2 protein (p.Arg512His). This variant is present in population databases (rs373119331, gnomAD 0.01%). This variant has not been reported in the literature in individuals affected with SH3BP2-related conditions. ClinVar contains an entry for this variant (Variation ID: 854566). Invitae Evidence Modeling of protein sequence and biophysical properties (such as structural, functional, and spatial information, amino acid conservation, physicochemical variation, residue mobility, and thermodynamic stability) indicates that this missense variant is not expected to disrupt SH3BP2 protein function with a negative predictive value of 95%. In summary, the available evidence is currently insufficient to determine the role of this variant in disease. Therefore, it has been classified as a Variant of Uncertain Significance.

PreventionGenetics, part of Exact Sciences
Classification: Uncertain significance for SH3BP2-related condition. Last evaluated: 2024-10-30. Review status: criteria provided, single submitter. Criteria: ACMG Guidelines, 2015. Collection method: clinical testing. Allele origin: germline.
Comment: The SH3BP2 c.1535G>A variant is predicted to result in the amino acid substitution p.Arg512His. To our knowledge, this variant has not been reported in the literature. This variant is reported in 0.010% of alleles in individuals of East Asian descent in gnomAD. At this time, the clinical significance of this variant is uncertain due to the absence of conclusive functional and genetic evidence.